The following is an entry in ClinVar:

ClinVar aggregate classification (germline): Uncertain significance (1 of 4 stars; one submission).

Conditions:
Inborn genetic diseases. Identifiers: MedGen C0950123, MeSH D030342.

gnomAD v4.1: 1 of 1,612,552 alleles (0.000062%); highest among the groups gnomAD compares: South Asian, 0.0011%; no homozygotes.

Submission:

Ambry Genetics
Classification: Uncertain significance for Inborn genetic diseases. Last evaluated: 2025-02-08. Review status: criteria provided, single submitter. Criteria: Ambry Variant Classification Scheme 2023. Collection method: clinical testing. Allele origin: germline.
Comment: The p.R447G variant (also known as c.1339A>G), located in coding exon 15 of the RTEL1 gene, results from an A to G substitution at nucleotide position 1339. The arginine at codon 447 is replaced by glycine, an amino acid with dissimilar properties. This amino acid position is conserved. In addition, this alteration is predicted to be tolerated by in silico analysis. Based on the available evidence, the clinical significance of this variant remains unclear.

NM_001283009.2(RTEL1):c.1339A>G (p.Arg447Gly)

Genes: RTEL1 (regulator of telomere elongation helicase 1; plus strand), RTEL1-TNFRSF6B (RTEL1-TNFRSF6B readthrough (NMD candidate); plus strand). Cytogenetic location: 20q13.33.
Variant type: single nucleotide variant.
Coding change: c.1339A>G on transcript NM_001283009.2 (MANE Select); coding-DNA position 1339, A replaced by G.
Protein change: p.Arg447Gly; replaces arginine 447 with glycine.
Molecular consequence: missense variant. On other transcripts: non-coding transcript variant (1).
Genome position (GRCh38, 1-based): chr20:63,685,863, A>G. VCF-style: chr20-63685863-A-G. GRCh37 (hg19) VCF-style: chr20-62317216-A-G.
Other names: c.670A>G, p.Arg224Gly (NM_001283010.1); c.1339A>G, p.Arg447Gly (NM_016434.4); c.1411A>G, p.Arg471Gly (NM_032957.5); short protein forms R224G, R447G, R471G.
Identifiers: ClinVar variation 3791132 (VCV003791132.1).